The following is an entry in ClinVar:

ClinVar aggregate classification (germline): Benign. Review status: criteria provided, multiple submitters, no conflicts (2 of 4 stars). 3 submissions from 3 submitters: Benign (3). Last evaluated 2020-02-18.

Conditions:
Immunodeficiency, common variable, 1. Also called: ANTIBODY DEFICIENCY DUE TO ICOS DEFECT. Identifiers: Orphanet 1572, Orphanet 695183, MedGen C3149378, MONDO:0011864, OMIM 607594.

Allele frequency attached by ClinVar (database versions not stated): TOPMed 0.29914; 1000 Genomes Project 30x 0.31324; gnomAD 0.29332 and 0.29310; 1000 Genomes Project 0.30891.

Submissions (3):

GeneDx
Classification: Benign. Last evaluated: 2020-02-18. Review status: criteria provided, single submitter. Criteria: GeneDx Variant Classification Process June 2021. Collection method: clinical testing. Allele origin: germline. Affected: yes.
Comment: This variant is associated with the following publications: (PMID: 25497975)

Illumina Laboratory Services, Illumina
Classification: Benign for Immunodeficiency, common variable, 1. Last evaluated: 2018-01-13. Review status: criteria provided, single submitter. Criteria: ICSL Variant Classification Criteria 13 December 2019. Collection method: clinical testing. Allele origin: germline.
Comment: This variant was observed in the ICSL laboratory as part of a predisposition screen in an ostensibly healthy population. It had not been previously curated by ICSL or reported in the Human Gene Mutation Database (HGMD: prior to June 1st, 2018), and was therefore a candidate for classification through an automated scoring system. Utilizing variant allele frequency, disease prevalence and penetrance estimates, and inheritance mode, an automated score was calculated to assess if this variant is too frequent to cause the disease. Based on the score and internal cut-off values, a variant classified as benign is not then subjected to further curation. The score for this variant resulted in a classification of benign for this disease.

Breakthrough Genomics
Classification: Benign. Review status: criteria provided, single submitter. Criteria: ACMG Guidelines, 2015. Collection method: not provided. Allele origin: germline. Inheritance: Autosomal recessive inheritance. Affected: yes.

NM_012092.4(ICOS):c.*964T>C

Gene: ICOS (inducible T cell costimulator; plus strand). Cytogenetic location: 2q33.2.
Variant type: single nucleotide variant.
Coding change: c.*964T>C on transcript NM_012092.4 (MANE Select); 964 bases downstream of the stop codon, T replaced by C.
Molecular consequence: 3 prime UTR variant.
Genome position (GRCh38, 1-based): chr2:203,960,563, T>C. VCF-style: chr2-203960563-T-C. GRCh37 (hg19) VCF-style: chr2-204825286-T-C.
Identifiers: ClinVar variation 333747 (VCV000333747.8), dbSNP rs4404254, ClinGen allele CA10613681.